The following is an entry in ClinVar:

ClinVar aggregate classification (germline): Uncertain significance (1 of 4 stars; one submission).

Allele frequency attached by ClinVar (database versions not stated): gnomAD 0.00001; TOPMed 0.00001.

Submission:

GeneDx
Classification: Uncertain significance. Last evaluated: 2019-08-05. Review status: criteria provided, single submitter. Criteria: GeneDx Variant Classification Process June 2021. Collection method: clinical testing. Allele origin: germline. Affected: yes.
Comment: Not observed in large population cohorts (Lek et al., 2016); Initiation codon variant; it is not known if the loss of Met1 means that all protein translation is completely prevented or if an abnormal protein is produced using an alternate Methionine; Has not been previously published as pathogenic or benign to our knowledge

NM_022051.3(EGLN1):c.1A>G (p.Met1Val)

Gene: EGLN1 (egl-9 family hypoxia inducible factor 1; minus strand). Cytogenetic location: 1q42.2.
Variant type: single nucleotide variant.
Coding change: c.1A>G on transcript NM_022051.3 (MANE Select); coding-DNA position 1, A replaced by G.
Protein change: p.Met1Val; changes the start codon (methionine 1).
Molecular consequence: missense variant, initiator codon variant.
Genome position (GRCh38, 1-based): chr1:231,421,888, T>C on the plus strand (A>G on the coding strand, the complement: EGLN1 is on the minus strand). VCF-style: chr1-231421888-T-C. GRCh37 (hg19) VCF-style: chr1-231557634-T-C.
Other names: c.1A>G, p.Met1Val (NM_001377260.1, NM_001377261.1); short protein forms M1V.
Identifiers: ClinVar variation 1316994 (VCV001316994.3), dbSNP rs1656639584, ClinGen allele CA345239700.
Genomic context (GRCh38, chr1:231,421,888, plus strand): 5'-AGTACTGCCGGTCTCGCTCGCTCGGGCTCGGCCCGCCGGGCCCGCCGCTGTCATTGGCCA[T>C]GGCGGCGGCGGCGGCGGCGACGGCGACTGCGGCGGCCGAGCAGGAGGGGTAGCGGCCGGA-3'
Protein context (NP_071334.1, residues 1-11): [Met1Val]ANDSGGPGGP